The following is an entry in ClinVar:

ClinVar aggregate classification (germline): Uncertain significance (1 of 4 stars; one submission).

Conditions:
Tuberous sclerosis 2 (TSC2). Identifiers: Orphanet 805, MedGen C1860707, MONDO:0013199, OMIM 613254.

Submission:

Labcorp Genetics (formerly Invitae), Labcorp
Classification: Uncertain significance for Tuberous sclerosis 2. Last evaluated: 2020-10-28. Review status: criteria provided, single submitter. Criteria: Invitae Variant Classification Sherloc (09022015). Collection method: clinical testing. Allele origin: germline.
Comment: In summary, the available evidence is currently insufficient to determine the role of this variant in disease. Therefore, it has been classified as a Variant of Uncertain Significance. Algorithms developed to predict the effect of missense changes on protein structure and function (SIFT, PolyPhen-2, Align-GVGD) all suggest that this variant is likely to be disruptive, but these predictions have not been confirmed by published functional studies and their clinical significance is uncertain. This variant has not been reported in the literature in individuals with TSC2-related disease. This variant is not present in population databases (ExAC no frequency). This sequence change replaces phenylalanine with cysteine at codon 408 of the TSC2 protein (p.Phe408Cys). The phenylalanine residue is moderately conserved and there is a large physicochemical difference between phenylalanine and cysteine.

NM_000548.5(TSC2):c.1223T>G (p.Phe408Cys)

Gene: TSC2 (TSC complex subunit 2; plus strand). Cytogenetic location: 16p13.3.
Variant type: single nucleotide variant.
Coding change: c.1223T>G on transcript NM_000548.5 (MANE Select); coding-DNA position 1223, T replaced by G.
Protein change: p.Phe408Cys; replaces phenylalanine 408 with cysteine.
Molecular consequence: missense variant.
Genome position (GRCh38, 1-based): chr16:2,061,974, T>G. VCF-style: chr16-2061974-T-G. GRCh37 (hg19) VCF-style: chr16-2111975-T-G.
Other names: c.1076T>G, p.Phe359Cys (NM_001318829.2); c.623T>G, p.Phe208Cys (NM_001318831.2); c.1223T>G, p.Phe408Cys (NM_001077183.3, NM_001363528.2, NM_001114382.3 and 3 more transcripts); c.1256T>G, p.Phe419Cys (NM_001318832.2); c.1112T>G, p.Phe371Cys (NM_001318827.2); short protein forms F408C, F359C, F208C, F371C, F419C.
Identifiers: ClinVar variation 467852 (VCV000467852.10), dbSNP rs1555501123, ClinGen allele CA394321151.